The following is an entry in ClinVar:

ClinVar aggregate classification (germline): Uncertain significance. Review status: criteria provided, multiple submitters, no conflicts (2 of 4 stars). 2 submissions from 2 submitters: Uncertain significance (2). Last evaluated 2025-02-10.

Conditions:
Mucopolysaccharidosis, MPS-IV-A (MPS4A). Also called: Mucopolysaccharidosis type IV A; Mucopolysaccharidosis Type IVA; Morquio syndrome A, mild; MORQUIO SYNDROME A; MPS IVA; mucopolysaccharidosis type 4A. Identifiers: Orphanet 309297, Orphanet 582, MedGen C0086651, MONDO:0009659, OMIM 253000.

Allele frequency attached by ClinVar (database versions not stated): gnomAD exomes below 0.00001; TOPMed below 0.00001; gnomAD 0.00001.
gnomAD v4.1: 3 of 1,613,516 alleles (0.00019%); highest among the groups gnomAD compares: Non-Finnish European, 0.00025%; no homozygotes.

Submissions (2):

Women's Health and Genetics/Laboratory Corporation of America, LabCorp
Classification: Uncertain significance. Last evaluated: 2025-02-10. Review status: criteria provided, single submitter. Criteria: LabCorp Variant Classification Summary - May 2015. Collection method: clinical testing. Allele origin: germline.
Comment: Variant summary: GALNS c.278T>A (p.Ile93Asn) results in a non-conservative amino acid change located in the Sulfatase domain (IPR000917) of the encoded protein sequence. Four of five in-silico tools predict a damaging effect of the variant on protein function. The variant was absent in 247782 control chromosomes. The available data on variant occurrences in the general population are insufficient to allow any conclusion about variant significance. c.278T>A has been reported in the unknown state with an undefined 2nd allele in the literature in at least 1 individual affected with clinical features of Mucopolysaccharidosis Type IVA (Morquio Syndrome A) (example, Dung_2013). These report(s) do not provide unequivocal conclusions about association of the variant with Mucopolysaccharidosis Type IVA (Morquio Syndrome A). To our knowledge, no experimental evidence demonstrating an impact on protein function has been reported. The following publication has been ascertained in the context of this evaluation (PMID: 23876334). ClinVar contains an entry for this variant (Variation ID: 1048453). Based on the evidence outlined above, the variant was classified as uncertain significance.

Laboratory of Diagnosis and Therapy of Lysosomal Disorders, University of Padova
Classification: Uncertain significance for Mucopolysaccharidosis, MPS-IV-A. Last evaluated: 2021-02-01. Review status: criteria provided, single submitter. Criteria: ACMG Guidelines, 2015. Collection method: curation. Allele origin: germline. Affected: yes.
Comment: Absent from gnomAD v2.1.1 (PM2_moderate); multiple lines of computational evidence support a deleterious effect on the gene (PP3_supporting)

Literature cited by the submitters: PubMed 23876334 (cited by Women's Health and Genetics/Laboratory Corporation of America, LabCorp and Laboratory of Diagnosis and Therapy of Lysosomal Disorders, University of Padova); PubMed 34387910 (cited by Laboratory of Diagnosis and Therapy of Lysosomal Disorders, University of Padova).

NM_000512.5(GALNS):c.278T>A (p.Ile93Asn)

Gene: GALNS (galactosamine (N-acetyl)-6-sulfatase; minus strand). Cytogenetic location: 16q24.3.
Variant type: single nucleotide variant.
Coding change: c.278T>A on transcript NM_000512.5 (MANE Select); coding-DNA position 278, T replaced by A.
Protein change: p.Ile93Asn; replaces isoleucine 93 with asparagine.
Molecular consequence: missense variant. On other transcripts: 5 prime UTR variant (1).
Genome position (GRCh38, 1-based): chr16:88,841,938, A>T on the plus strand (T>A on the coding strand, the complement: GALNS is on the minus strand). VCF-style: chr16-88841938-A-T. GRCh37 (hg19) VCF-style: chr16-88908346-A-T.
Other names: c.-278T>A (NM_001323543.2); c.296T>A, p.Ile99Asn (NM_001323544.2); short protein forms I93N, I99N.
Identifiers: ClinVar variation 1048453 (VCV001048453.4), dbSNP rs1966993165, ClinGen allele CA397089251.